The following is an entry in ClinVar:

ClinVar aggregate classification (germline): Uncertain significance. Review status: criteria provided, multiple submitters, no conflicts (2 of 4 stars). 2 submissions from 2 submitters: Uncertain significance (2). Last evaluated 2024-11-27.

Conditions:
TP63-Related Spectrum Disorders.

Allele frequency attached by ClinVar (database versions not stated): gnomAD 0.00001; ExAC 0.00002; gnomAD exomes 0.00003 and 0.00005; TOPMed 0.00005.
gnomAD v4.1: 80 of 1,613,974 alleles (0.005%); highest among the groups gnomAD compares: South Asian, 0.0099%; no homozygotes.

Submissions (2):

Labcorp Genetics (formerly Invitae), Labcorp
Classification: Uncertain significance. Last evaluated: 2024-11-27. Review status: criteria provided, single submitter. Criteria: Invitae Variant Classification Sherloc (09022015). Collection method: clinical testing. Allele origin: germline.
Comment: This sequence change replaces alanine, which is neutral and non-polar, with valine, which is neutral and non-polar, at codon 85 of the TP63 protein (p.Ala85Val). This variant is present in population databases (rs750962649, gnomAD 0.006%). This variant has not been reported in the literature in individuals affected with TP63-related conditions. ClinVar contains an entry for this variant (Variation ID: 809592). Invitae Evidence Modeling of protein sequence and biophysical properties (such as structural, functional, and spatial information, amino acid conservation, physicochemical variation, residue mobility, and thermodynamic stability) indicates that this missense variant is not expected to disrupt TP63 protein function with a negative predictive value of 80%. In summary, the available evidence is currently insufficient to determine the role of this variant in disease. Therefore, it has been classified as a Variant of Uncertain Significance.

CeGaT Center for Human Genetics Tuebingen
Classification: Uncertain significance. Last evaluated: 2018-11-01. Review status: criteria provided, single submitter. Criteria: CeGaT Center For Human Genetics Tuebingen Variant Classification Criteria Version 2. Collection method: clinical testing. Allele origin: germline. Affected: yes. Observed: 1 variant allele.

NM_003722.5(TP63):c.254C>T (p.Ala85Val)

Gene: TP63 (tumor protein p63; plus strand). Cytogenetic location: 3q28.
Variant type: single nucleotide variant.
Coding change: c.254C>T on transcript NM_003722.5 (MANE Select); coding-DNA position 254, C replaced by T.
Protein change: p.Ala85Val; replaces alanine 85 with valine.
Molecular consequence: missense variant.
Genome position (GRCh38, 1-based): chr3:189,738,704, C>T. VCF-style: chr3-189738704-C-T. GRCh37 (hg19) VCF-style: chr3-189456493-C-T.
Other names: c.254C>T, p.Ala85Val (NM_001114978.2, NM_001114979.2, NM_001329144.2 and 1 more transcripts); c.248C>T, p.Ala83Val (NM_001329964.2); short protein forms A85V, A83V.
Identifiers: ClinVar variation 809592 (VCV000809592.44), dbSNP rs750962649, ClinGen allele CA2752064.